The following is an entry in ClinVar:

ClinVar aggregate classification (germline): Likely benign. Review status: criteria provided, multiple submitters, no conflicts (2 of 4 stars). 2 submissions from 2 submitters: Likely benign (2). Last evaluated 2026-06-12.

Conditions:
Polyps, multiple and recurrent inflammatory fibroid, gastrointestinal. Identifiers: MedGen C5193005, MONDO:0008285, OMIM 175510.
Gastrointestinal stromal tumor. Also called: Gastrointestinal stromal tumor, somatic; Gastrointestinal stroma tumor. Identifiers: Orphanet 44890, MedGen C0238198, MeSH D046152, MONDO:0011719, OMIM 606764, HP:0100723.

Allele frequency attached by ClinVar (database versions not stated): gnomAD exomes below 0.00001; TOPMed below 0.00001.
gnomAD v4.1: 2 of 1,613,970 alleles (0.00012%); highest among the groups gnomAD compares: Non-Finnish European, 0.00017%; no homozygotes.

Submissions (2):

Myriad Genetics, Inc.
Classification: Likely benign for Polyps, multiple and recurrent inflammatory fibroid, gastrointestinal. Last evaluated: 2026-06-12. Review status: criteria provided, single submitter. Criteria: Myriad Autosomal Dominant, Autosomal Recessive and X-Linked Classification Criteria (2023). Collection method: clinical testing. Allele origin: unknown.
Comment: This variant is considered likely benign. This variant is intronic and is not expected to impact mRNA splicing.

Labcorp Genetics (formerly Invitae), Labcorp
Classification: Likely benign for Gastrointestinal stromal tumor. Last evaluated: 2025-12-29. Review status: criteria provided, single submitter. Criteria: Invitae Variant Classification Sherloc (09022015). Collection method: clinical testing. Allele origin: germline.

NM_006206.6(PDGFRA):c.1238-15T>C

Gene: PDGFRA (platelet derived growth factor receptor alpha; plus strand). Cytogenetic location: 4q12.
Variant type: single nucleotide variant.
Coding change: c.1238-15T>C on transcript NM_006206.6 (MANE Select); 15 bases into the intron before coding-DNA position 1238, T replaced by C.
Molecular consequence: intron variant.
Genome position (GRCh38, 1-based): chr4:54,272,379, T>C. VCF-style: chr4-54272379-T-C. GRCh37 (hg19) VCF-style: chr4-55138546-T-C.
Other names: c.1313-15T>C (NM_001347828.2); c.1238-15T>C (NM_001347827.2, NM_001347829.2); c.1277-15T>C (NM_001347830.2).
Identifiers: ClinVar variation 1597805 (VCV001597805.9), dbSNP rs1723448678, ClinGen allele CA1458534441.
Genomic context (GRCh38, chr4:54,272,379, plus strand): 5'-TCATATTCCACTTTGTAGTCTCATATGTTCTGGGACACGAGCTATTCCATTCTGACTTCT[T>C]TCTGCCTCTTGCAGTTCCTTCATCCATTCTGGACTTGGTCGATGATCACCATGGCTCAAC-3'